The following is an entry in ClinVar:

NM_198271.5(LMOD3):c.838A>G (p.Lys280Glu)

Gene: LMOD3 (leiomodin 3; minus strand). Cytogenetic location: 3p14.1.
Variant type: single nucleotide variant.
Coding change: c.838A>G on transcript NM_198271.5 (MANE Select); coding-DNA position 838, A replaced by G.
Protein change: p.Lys280Glu; replaces lysine 280 with glutamic acid.
Molecular consequence: missense variant.
Genome position (GRCh38, 1-based): chr3:69,119,517, T>C on the plus strand (A>G on the coding strand, the complement: LMOD3 is on the minus strand). VCF-style: chr3-69119517-T-C. GRCh37 (hg19) VCF-style: chr3-69168668-T-C.
Other names: c.838A>G, p.Lys280Glu (NM_001304418.3); short protein forms K280E.
Identifiers: ClinVar variation 956243 (VCV000956243.2), dbSNP rs934465837, ClinGen allele CA76453250.
Genomic context (GRCh38, chr3:69,119,517, plus strand): 5'-ATGCTACATTCTCATCTGCACCCACATTGGCTAAACTGAATGTTTTGATGTGCTTGTTTT[T>C]CTTCATTGCATTGACAAAGTCCAGTAACATTTCTTTGGGGATGTTTTCAATGTTGTTCAG-3'
Protein context (NP_938012.2, residues 270-290): MLLDFVNAMK[Lys280Glu]NKHIKTFSLA

ClinVar aggregate classification (germline): Uncertain significance (1 of 4 stars; one submission).

Conditions:
Nemaline myopathy 10 (NEM10). Identifiers: MedGen C4015360, MONDO:0014513, OMIM 616165.

Allele frequency attached by ClinVar (database versions not stated): gnomAD exomes below 0.00001; TOPMed 0.00002; gnomAD 0.00003.

Submission:

Labcorp Genetics (formerly Invitae), Labcorp
Classification: Uncertain significance for Nemaline myopathy 10. Last evaluated: 2019-11-13. Review status: criteria provided, single submitter. Criteria: Invitae Variant Classification Sherloc (09022015). Collection method: clinical testing. Allele origin: germline.
Comment: This sequence change replaces lysine with glutamic acid at codon 280 of the LMOD3 protein (p.Lys280Glu). The lysine residue is highly conserved and there is a small physicochemical difference between lysine and glutamic acid. This variant is not present in population databases (ExAC no frequency). This variant has not been reported in the literature in individuals with LMOD3-related conditions. Algorithms developed to predict the effect of missense changes on protein structure and function (SIFT, PolyPhen-2, Align-GVGD) all suggest that this variant is likely to be disruptive, but these predictions have not been confirmed by published functional studies and their clinical significance is uncertain. In summary, the available evidence is currently insufficient to determine the role of this variant in disease. Therefore, it has been classified as a Variant of Uncertain Significance.